The following is an entry in ClinVar:

NM_017541.4(CRYGS):c.134G>A (p.Gly45Asp)

Gene: CRYGS (crystallin gamma S; minus strand). Cytogenetic location: 3q27.3.
Variant type: single nucleotide variant.
Coding change: c.134G>A on transcript NM_017541.4 (MANE Select); coding-DNA position 134, G replaced by A.
Protein change: p.Gly45Asp; replaces glycine 45 with aspartic acid.
Molecular consequence: missense variant.
Genome position (GRCh38, 1-based): chr3:186,539,485, C>T on the plus strand (G>A on the coding strand, the complement: CRYGS is on the minus strand). VCF-style: chr3-186539485-C-T. GRCh37 (hg19) VCF-style: chr3-186257274-C-T.
Other names: short protein forms G45D.
Identifiers: ClinVar variation 3355303 (VCV003355303.1).
Genomic context (GRCh38, chr3:186,539,485, plus strand): 5'-CCCTGTGGTAAGATGTACATGTACCCAGCAAAGTTGGGCCTTTCATAAACAGCCCAGGTG[C>T]CTCCTTCCACTTTAATGGAGTTGCAGCGACTTAGGTATGTGTGGAAATCTGCACAGTCGC-3'
Protein context (NP_060011.1, residues 35-55): SRCNSIKVEG[Gly45Asp]TWAVYERPNF

ClinVar aggregate classification (germline): Uncertain significance (0 of 4 stars; one submission).

Conditions:
CRYGS-related disorder. Also called: CRYGS-related condition.

gnomAD v4.1: 7 of 1,613,506 alleles (0.00043%); highest among the groups gnomAD compares: Non-Finnish European, 0.00059%; no homozygotes.

Submission:

PreventionGenetics, part of Exact Sciences
Classification: Uncertain significance for CRYGS-related condition. Last evaluated: 2024-08-08. Review status: no assertion criteria provided. Collection method: clinical testing. Allele origin: germline.
Comment: The CRYGS c.134G>A variant is predicted to result in the amino acid substitution p.Gly45Asp. To our knowledge, this variant has not been reported in the literature or in a large population database, indicating this variant is rare. At this time, the clinical significance of this variant is uncertain due to the absence of conclusive functional and genetic evidence.